The following is an entry in ClinVar:

NM_000747.3(CHRNB1):c.1126T>C (p.Cys376Arg)

Gene: CHRNB1 (cholinergic receptor nicotinic beta 1 subunit; plus strand). Cytogenetic location: 17p13.1.
Variant type: single nucleotide variant.
Coding change: c.1126T>C on transcript NM_000747.3 (MANE Select); coding-DNA position 1126, T replaced by C.
Protein change: p.Cys376Arg; replaces cysteine 376 with arginine.
Molecular consequence: missense variant.
Genome position (GRCh38, 1-based): chr17:7,455,365, T>C. VCF-style: chr17-7455365-T-C. GRCh37 (hg19) VCF-style: chr17-7358684-T-C.
Other names: short protein forms C376R.
Identifiers: ClinVar variation 542754 (VCV000542754.15), dbSNP rs150290595, ClinGen allele CA8347985.

ClinVar aggregate classification (germline): Conflicting classifications of pathogenicity. Review status: criteria provided, conflicting classifications (1 of 4 stars). 3 submissions from 3 submitters: Uncertain significance (2); Likely benign (1). Last evaluated 2026-01-21.

Conditions:
Congenital myasthenic syndrome 2A. Also called: Myasthenic syndrome, congenital, 2a, slow-channel. Identifiers: Orphanet 590, MedGen C4225374, MONDO:0014581, OMIM 616313.

Allele frequency attached by ClinVar (database versions not stated): gnomAD exomes 0.00002 and 0.00006; ExAC 0.00009; gnomAD 0.00029 and 0.00032; ESP Exome Variant Server 0.00031; TOPMed 0.00037.
gnomAD v4.1: 76 of 1,614,046 alleles (0.0047%); highest among the groups gnomAD compares: African/African-American, 0.097%; no homozygotes.

Submissions (3):

Labcorp Genetics (formerly Invitae), Labcorp
Classification: Likely benign for Congenital myasthenic syndrome 2A. Last evaluated: 2026-01-21. Review status: criteria provided, single submitter. Criteria: Invitae Variant Classification Sherloc (09022015). Collection method: clinical testing. Allele origin: germline.

GeneDx
Classification: Uncertain significance. Last evaluated: 2019-12-31. Review status: criteria provided, single submitter. Criteria: GeneDx Variant Classification Process June 2021. Collection method: clinical testing. Allele origin: germline. Affected: yes.
Comment: Has not been previously published as pathogenic or benign to our knowledge; In silico analysis, which includes protein predictors and evolutionary conservation, supports that this variant does not alter protein structure/function

Revvity Omics, Revvity
Classification: Uncertain significance. Last evaluated: 2019-05-14. Review status: criteria provided, single submitter. Criteria: ACMG Guidelines, 2015. Collection method: clinical testing. Allele origin: germline.